The following is an entry in ClinVar:

ClinVar aggregate classification (germline): Uncertain significance (1 of 4 stars; one submission).

Conditions:
Familial thoracic aortic aneurysm and aortic dissection (TAAD). Also called: Thoracic aortic aneurysms and dissections. Identifiers: Orphanet 91387, MedGen C4707243, MONDO:0019625.

Submission:

All of Us Research Program, National Institutes of Health
Classification: Uncertain significance for Familial thoracic aortic aneurysm and aortic dissection. Last evaluated: 2023-04-10. Review status: criteria provided, single submitter. Criteria: ACMG Guidelines, 2015. Collection method: clinical testing. Allele origin: germline. Inheritance: Autosomal dominant inheritance. Observed: 1 variant allele, 1 heterozygote.
Comment: This missense variant replaces valine with leucine at codon 1257 of the MYH11 protein. Computational prediction suggests that this variant may not impact protein structure and function (internally defined REVEL score threshold <= 0.5, PMID: 27666373). To our knowledge, functional studies have not been reported for this variant. This variant has not been reported in individuals affected with MYH11-related disorders in the literature. This variant has not been identified in the general population by the Genome Aggregation Database (gnomAD). The available evidence is insufficient to determine the role of this variant in disease conclusively. Therefore, this variant is classified as a Variant of Uncertain Significance.

This study involves interpretation of variants in research participants for the purpose of population health screening. Participant phenotype was not available at the time of variant classification. Additional details can be found in publication PMID: 35346344, PMCID: PMC8962531

NM_002474.3(MYH11):c.3748G>C (p.Val1250Leu)

Gene: MYH11 (myosin heavy chain 11; minus strand). Cytogenetic location: 16p13.11.
Variant type: single nucleotide variant.
Coding change: c.3748G>C on transcript NM_002474.3 (MANE Select); coding-DNA position 3748, G replaced by C.
Protein change: p.Val1250Leu; replaces valine 1250 with leucine.
Molecular consequence: missense variant.
Genome position (GRCh38, 1-based): chr16:15,726,958, C>G on the plus strand (G>C on the coding strand, the complement: MYH11 is on the minus strand). VCF-style: chr16-15726958-C-G. GRCh37 (hg19) VCF-style: chr16-15820815-C-G.
Other names: c.3769G>C, p.Val1257Leu (NM_001040113.2, NM_001040114.2); c.3748G>C, p.Val1250Leu (NM_022844.3); short protein forms V1250L, V1257L.
Identifiers: ClinVar variation 3070429 (VCV003070429.1), dbSNP rs2506156153, ClinGen allele CA394860147.